The following is an entry in ClinVar:

NM_001194.4(HCN2):c.2329C>T (p.Pro777Ser)

Gene: HCN2 (hyperpolarization activated cyclic nucleotide gated potassium and sodium channel 2; plus strand). Cytogenetic location: 19p13.3.
Variant type: single nucleotide variant.
Coding change: c.2329C>T on transcript NM_001194.4 (MANE Select); coding-DNA position 2329, C replaced by T.
Protein change: p.Pro777Ser; replaces proline 777 with serine.
Molecular consequence: missense variant.
Genome position (GRCh38, 1-based): chr19:616,133, C>T. VCF-style: chr19-616133-C-T. GRCh37 (hg19) VCF-style: chr19-616133-C-T.
Other names: short protein forms P777S.
Identifiers: ClinVar variation 5040487 (VCV005040487.1).

ClinVar aggregate classification (germline): Uncertain significance (1 of 4 stars; one submission).

Submission:

CeGaT Center for Human Genetics Tuebingen
Classification: Uncertain significance. Last evaluated: 2026-07-01. Review status: criteria provided, single submitter. Criteria: CeGaT Center For Human Genetics Tuebingen Variant Classification Criteria Version 2. Collection method: clinical testing. Allele origin: germline. Affected: yes. Observed: 1 variant allele.
Comment: HCN2: PM2